The following is an entry in ClinVar:

ClinVar aggregate classification (germline): Pathogenic. Review status: criteria provided, single submitter (1 of 4 stars). 3 submissions from 3 submitters: Pathogenic (1). 2 of the submissions do not count toward it. Last evaluated 2022-04-01.

Conditions:
Charcot-Marie-Tooth disease. Also called: Charcot-Marie-Tooth Neuropathy; Charcot-Marie-Tooth Hereditary Neuropathy. Identifiers: Orphanet 166, MedGen C0007959, MONDO:0015626.
Neuronopathy, distal hereditary motor, type 5B. Also called: HMN VB; DHMN VB; NEURONOPATHY, DISTAL HEREDITARY MOTOR, HARDING TYPE VB; NEUROPATHY, DISTAL HEREDITARY MOTOR, HARDING TYPE VB; SPINAL MUSCULAR ATROPHY, DISTAL, HARDING TYPE VB. Identifiers: Orphanet 139536, MedGen C3553656, MONDO:0013884, OMIM 614751.

Submissions (3):

MGZ Medical Genetics Center
Classification: Pathogenic for Neuronopathy, distal hereditary motor, type 5B. Last evaluated: 2022-04-01. Review status: criteria provided, single submitter. Criteria: ACMG Guidelines, 2015. Collection method: clinical testing. Allele origin: germline. Affected: yes. Observed: 1 variant allele.
Comment: ACMG criteria applied: PVS1, PS3_MOD, PP1_MOD, PS4_SUP, PM2_SUP

OMIM
Classification: Pathogenic for NEURONOPATHY, DISTAL HEREDITARY MOTOR, AUTOSOMAL DOMINANT 12 (1 family). Last evaluated: 2012-07-13. Review status: no assertion criteria provided. Collection method: literature only. Allele origin: germline. Not counted in ClinVar's aggregate classification.

Inherited Neuropathy Consortium
Classification: Uncertain significance for Charcot-Marie-Tooth disease. Review status: no assertion criteria provided. Collection method: literature only. Allele origin: germline. Affected: yes. Not counted in ClinVar's aggregate classification.

Literature cited by the submitters: PubMed 22703882 (cited by OMIM and Inherited Neuropathy Consortium).

NM_001371279.1(REEP1):c.304-2A>G

Gene: REEP1 (receptor accessory protein 1; minus strand). Cytogenetic location: 2p11.2.
Variant type: single nucleotide variant.
Coding change: c.304-2A>G on transcript NM_001371279.1 (MANE Select); the canonical splice acceptor site of the intron before coding-DNA position 304, A replaced by G.
Molecular consequence: splice acceptor variant. On other transcripts: intron variant (1).
Genome position (GRCh38, 1-based): chr2:86,252,072, T>C on the plus strand (A>G on the coding strand, the complement: REEP1 is on the minus strand). VCF-style: chr2-86252072-T-C. GRCh37 (hg19) VCF-style: chr2-86479195-T-C.
Other names: IVS4AS, A-G, -2; c.325-2A>G (NM_001164730.2); c.223-2A>G (NM_001164731.2); c.182+11893A>G (NM_001164732.2); c.304-2A>G (NM_001371280.1, NM_022912.3, NM_001410855.1 and 1 more transcripts).
Identifiers: ClinVar variation 35598 (VCV000035598.8), dbSNP rs387907242, ClinGen allele CA129967.
Genomic context (GRCh38, chr2:86,252,072, plus strand): 5'-AAGTGCACAAGGGCATCGTAACTTCGGTCTTTTGCTTGGACCAGACAATCATCGATTTCC[T>C]GTCAAAGGAAAAACAGAGGCACACTGAGCTGGAAGGTTCAAACACATCTCTGTTTTCTTT-3'